The following is an entry in ClinVar:

ClinVar aggregate classification (germline): Uncertain significance (1 of 4 stars; one submission).

Allele frequency attached by ClinVar (database versions not stated): ESP Exome Variant Server 0.00009.
gnomAD v4.1: 1 of 1,532,746 alleles (0.000065%); highest among the groups gnomAD compares: Non-Finnish European, 0.000089%; no homozygotes.

Submission:

Ambry Genetics
Classification: Uncertain significance. Last evaluated: 2023-12-01. Review status: criteria provided, single submitter. Criteria: Ambry Variant Classification Scheme 2023. Collection method: clinical testing. Allele origin: germline.
Comment: The p.L870I variant (also known as c.2608C>A), located in coding exon 23 of the PRKDC gene, results from a C to A substitution at nucleotide position 2608. The leucine at codon 870 is replaced by isoleucine, an amino acid with highly similar properties. This amino acid position is conserved. In addition, this alteration is predicted to be tolerated by in silico analysis. Since supporting evidence is limited at this time, the clinical significance of this alteration remains unclear.

NM_006904.7(PRKDC):c.2608C>A (p.Leu870Ile)

Gene: PRKDC (protein kinase, DNA-activated, catalytic subunit; minus strand). Cytogenetic location: 8q11.21.
Variant type: single nucleotide variant.
Coding change: c.2608C>A on transcript NM_006904.7 (MANE Select); coding-DNA position 2608, C replaced by A.
Protein change: p.Leu870Ile; replaces leucine 870 with isoleucine.
Molecular consequence: missense variant.
Genome position (GRCh38, 1-based): chr8:47,915,337, G>T on the plus strand (C>A on the coding strand, the complement: PRKDC is on the minus strand). VCF-style: chr8-47915337-G-T. GRCh37 (hg19) VCF-style: chr8-48827897-G-T.
Other names: c.2608C>A, p.Leu870Ile (NM_001081640.2); short protein forms L870I.
Identifiers: ClinVar variation 3225803 (VCV003225803.1), dbSNP rs368278587, ClinGen allele CA4741427.